The following is an entry in ClinVar:

NM_001042492.3(NF1):c.4394A>G (p.Asn1465Ser)

Gene: NF1 (neurofibromin 1; plus strand). Cytogenetic location: 17q11.2.
Variant type: single nucleotide variant.
Coding change: c.4394A>G on transcript NM_001042492.3 (MANE Select); coding-DNA position 4394, A replaced by G.
Protein change: p.Asn1465Ser; replaces asparagine 1465 with serine.
Molecular consequence: missense variant.
Genome position (GRCh38, 1-based): chr17:31,259,093, A>G. VCF-style: chr17-31259093-A-G. GRCh37 (hg19) VCF-style: chr17-29586111-A-G.
Other names: c.4331A>G, p.Asn1444Ser (NM_000267.4); short protein forms N1444S, N1465S.
Identifiers: ClinVar variation 185835 (VCV000185835.15), dbSNP rs786202492, ClinGen allele CA193111.

ClinVar aggregate classification (germline): Uncertain significance. Review status: criteria provided, multiple submitters, no conflicts (2 of 4 stars). 5 submissions from 4 submitters: Uncertain significance (5). Last evaluated 2026-01-11.

Conditions:
Hereditary cancer-predisposing syndrome. Also called: Hereditary Cancer Syndrome; Neoplastic Syndromes, Hereditary; Tumor predisposition; Hereditary neoplastic syndrome. Identifiers: Orphanet 140162, MedGen C0027672, MeSH D009386, MONDO:0015356.
Cardiovascular phenotype. Identifiers: MedGen CN230736.
Juvenile myelomonocytic leukemia (JMML). Also called: LEUKEMIA, JUVENILE MYELOMONOCYTIC, SOMATIC. Identifiers: Orphanet 86834, MedGen C0349639, MONDO:0011908, OMIM 607785, HP:0012209.
Café-au-lait macules with pulmonary stenosis (WTSN). Also called: PULMONIC STENOSIS WITH CAFE-AU-LAIT SPOTS. Identifiers: MedGen C0553586, MONDO:0008672, OMIM 193520.
Neurofibromatosis, type 1 (NF1). Also called: NEUROFIBROMATOSIS, TYPE I, SOMATIC; VON RECKLINGHAUSEN DISEASE; Peripheral type neurofibromatosis; Neurofibromatosis, type I. Identifiers: Orphanet 636, MedGen C0027831, MONDO:0018975, OMIM 162200. Disease mechanism: loss of function.
Neurofibromatosis-Noonan syndrome (NFNS). Also called: NEUROFIBROMATOSIS WITH NOONAN PHENOTYPE. Identifiers: Orphanet 638, MedGen C2931482, MONDO:0011035, OMIM 601321. Disease mechanism: loss of function.
Neurofibromatosis, familial spinal (FSNF). Identifiers: Orphanet 636, MedGen C1834235, MONDO:0008078, OMIM 162210. Disease mechanism: loss of function.

Submissions (5):

Labcorp Genetics (formerly Invitae), Labcorp
Classification: Uncertain significance for Neurofibromatosis, type 1. Last evaluated: 2026-01-11. Review status: criteria provided, single submitter. Criteria: Invitae Variant Classification Sherloc (09022015). Collection method: clinical testing. Allele origin: germline.
Comment: This sequence change replaces asparagine, which is neutral and polar, with serine, which is neutral and polar, at codon 1444 of the NF1 protein (p.Asn1444Ser). This variant is not present in population databases (gnomAD no frequency). This variant has not been reported in the literature in individuals affected with NF1-related conditions. ClinVar contains an entry for this variant (Variation ID: 185835). Invitae Evidence Modeling of protein sequence and biophysical properties (such as structural, functional, and spatial information, amino acid conservation, physicochemical variation, residue mobility, and thermodynamic stability) indicates that this missense variant is expected to disrupt NF1 protein function with a positive predictive value of 95%. In summary, the available evidence is currently insufficient to determine the role of this variant in disease. Therefore, it has been classified as a Variant of Uncertain Significance.

Genome-Nilou Lab
Classification: Uncertain significance for Neurofibromatosis, type 1. Last evaluated: 2022-03-15. Review status: criteria provided, single submitter. Criteria: ACMG Guidelines, 2015. Collection method: clinical testing. Allele origin: germline. Affected: no.

Ambry Genetics
Classification: Uncertain significance for Cardiovascular phenotype; Hereditary cancer-predisposing syndrome. Last evaluated: 2021-05-11. Review status: criteria provided, single submitter. Criteria: Ambry Variant Classification Scheme 2023. Collection method: clinical testing. Allele origin: germline.

Fulgent Genetics
Classification: Uncertain significance for Neurofibromatosis, type 1; Neurofibromatosis, familial spinal; Café-au-lait macules with pulmonary stenosis; Neurofibromatosis-Noonan syndrome; Juvenile myelomonocytic leukemia. Last evaluated: 2018-10-31. Review status: criteria provided, single submitter. Criteria: ACMG Guidelines, 2015. Collection method: clinical testing. Allele origin: unknown.

Ambry Genetics
Classification: Uncertain significance for Hereditary cancer-predisposing syndrome. Last evaluated: 2014-08-20. Review status: criteria provided, single submitter. Criteria: Ambry Autosomal Dominant and X-Linked criteria (10/2015). Collection method: clinical testing. Allele origin: germline. Observed: 1 variant allele.
Comment: The p.N1465S variant (also known as c.4394A>G), located in coding exon 33 of the NF1 gene, results from an A to G substitution at nucleotide position 4394. The asparagine at codon 1465 is replaced by serine, an amino acid with highly similar properties. This variant was not reported in population based cohorts in the following databases: Database of Single Nucleotide Polymorphisms (dbSNP), NHLBI Exome Sequencing Project (ESP), and 1000 Genomes Project. In the ESP, this variant was not observed in 6500 samples (13000 alleles) with coverage at this position.<span style="background-color: initial;">To date, this alteration has been detected with an allele frequency of approximately 0.01% (greater than 11000 alleles tested) in our clinical cohort. Based on protein sequence alignment, this<span style="background-color: initial;">amino acid position is highly conserved in available vertebrate species. In addition, this alteration is predicted to be benign and deleterious by PolyPhen and SIFT <em style="background-color: initial;">in silico<span style="background-color: initial;"> analyses, respectively.<span style="background-color: initial;">Since supporting evidence is limited at this time, the clinical significance of p.N1465S remains unclear.